The following is an entry in ClinVar:

ClinVar aggregate classification (germline): Uncertain significance (1 of 4 stars; one submission).

Allele frequency attached by ClinVar (database versions not stated): TOPMed below 0.00001; ExAC 0.00001; gnomAD 0.00001; gnomAD exomes 0.00002.
gnomAD v4.1: 25 of 1,613,870 alleles (0.0015%); highest among the groups gnomAD compares: Non-Finnish European, 0.002%; no homozygotes.

Submission:

Labcorp Genetics (formerly Invitae), Labcorp
Classification: Uncertain significance. Last evaluated: 2025-01-27. Review status: criteria provided, single submitter. Criteria: Invitae Variant Classification Sherloc (09022015). Collection method: clinical testing. Allele origin: germline.
Comment: This sequence change replaces asparagine, which is neutral and polar, with serine, which is neutral and polar, at codon 86 of the MMP13 protein (p.Asn86Ser). This variant is present in population databases (rs765212942, gnomAD 0.003%). This variant has not been reported in the literature in individuals affected with MMP13-related conditions. ClinVar contains an entry for this variant (Variation ID: 3022089). Invitae Evidence Modeling of protein sequence and biophysical properties (such as structural, functional, and spatial information, amino acid conservation, physicochemical variation, residue mobility, and thermodynamic stability) indicates that this missense variant is not expected to disrupt MMP13 protein function with a negative predictive value of 80%. In summary, the available evidence is currently insufficient to determine the role of this variant in disease. Therefore, it has been classified as a Variant of Uncertain Significance.

NM_002427.4(MMP13):c.257A>G (p.Asn86Ser)

Genes: MMP13 (matrix metallopeptidase 13; minus strand), LOC126861318 (BRD4-independent group 4 enhancer GRCh37_chr11:102825894-102827093; plus strand). Cytogenetic location: 11q22.2.
Variant type: single nucleotide variant.
Coding change: c.257A>G on transcript NM_002427.4 (MANE Select); coding-DNA position 257, A replaced by G.
Protein change: p.Asn86Ser; replaces asparagine 86 with serine.
Molecular consequence: missense variant.
Genome position (GRCh38, 1-based): chr11:102,955,357, T>C on the plus strand (A>G on the coding strand, the complement: MMP13 is on the minus strand). VCF-style: chr11-102955357-T-C. GRCh37 (hg19) VCF-style: chr11-102826086-T-C.
Other names: short protein forms N86S.
Identifiers: ClinVar variation 3022089 (VCV003022089.3), dbSNP rs765212942, ClinGen allele CA6252035.